The following is an entry in ClinVar:

ClinVar aggregate classification (germline): Likely pathogenic (1 of 4 stars; one submission).

Conditions:
Cardiovascular phenotype. Identifiers: MedGen CN230736.

Submission:

Molecular Diagnostic Laboratory for Inherited Cardiovascular Disease, Montreal Heart Institute
Classification: Likely pathogenic for Cardiovascular phenotype. Last evaluated: 2024-03-19. Review status: criteria provided, single submitter. Criteria: ACMG Guidelines, 2015. Collection method: clinical testing. Allele origin: germline. Affected: yes.
Comment: PVS1_strong, PM2

NM_000256.3(MYBPC3):c.505+5G>T

Gene: MYBPC3 (myosin binding protein C3; minus strand). Cytogenetic location: 11p11.2.
Variant type: single nucleotide variant.
Coding change: c.505+5G>T on transcript NM_000256.3 (MANE Select); 5 bases into the intron after coding-DNA position 505, G replaced by T.
Molecular consequence: intron variant.
Genome position (GRCh38, 1-based): chr11:47,350,009, C>A on the plus strand (G>T on the coding strand, the complement: MYBPC3 is on the minus strand). VCF-style: chr11-47350009-C-A. GRCh37 (hg19) VCF-style: chr11-47371560-C-A.
Identifiers: ClinVar variation 3895167 (VCV003895167.1).